The following is an entry in ClinVar:

NM_004817.4(TJP2):c.1640A>G (p.Glu547Gly)

Gene: TJP2 (tight junction protein 2; plus strand). Cytogenetic location: 9q21.11.
Variant type: single nucleotide variant.
Coding change: c.1640A>G on transcript NM_004817.4 (MANE Select); coding-DNA position 1640, A replaced by G.
Protein change: p.Glu547Gly; replaces glutamic acid 547 with glycine.
Molecular consequence: missense variant.
Genome position (GRCh38, 1-based): chr9:69,230,201, A>G. VCF-style: chr9-69230201-A-G. GRCh37 (hg19) VCF-style: chr9-71845117-A-G.
Other names: c.1571A>G, p.Glu524Gly (NM_001170414.2, NM_001369871.1); c.1652A>G, p.Glu551Gly (NM_001170415.1, NM_001369874.1, NM_001369875.1); c.1733A>G, p.Glu578Gly (NM_001170416.2); c.1565A>G, p.Glu522Gly (NM_001369870.1); c.1640A>G, p.Glu547Gly (NM_001369872.1, NM_001369873.1, NM_201629.3); short protein forms E522G, E524G, E547G, E551G, E578G.
Identifiers: ClinVar variation 3905930 (VCV003905930.10).

ClinVar aggregate classification (germline): Uncertain significance (1 of 4 stars; one submission).

Submission:

CeGaT Center for Human Genetics Tuebingen
Classification: Uncertain significance. Last evaluated: 2025-05-01. Review status: criteria provided, single submitter. Criteria: CeGaT Center For Human Genetics Tuebingen Variant Classification Criteria Version 2. Collection method: clinical testing. Allele origin: germline. Affected: yes. Observed: 1 variant allele.
Comment: TJP2: PM2